The following is an entry in ClinVar:

NM_000393.5(COL5A2):c.2816G>A (p.Gly939Glu)

Gene: COL5A2 (collagen type V alpha 2 chain; minus strand). Cytogenetic location: 2q32.2.
Variant type: single nucleotide variant.
Coding change: c.2816G>A on transcript NM_000393.5 (MANE Select); coding-DNA position 2816, G replaced by A.
Protein change: p.Gly939Glu; replaces glycine 939 with glutamic acid.
Molecular consequence: missense variant.
Genome position (GRCh38, 1-based): chr2:189,051,435, C>T on the plus strand (G>A on the coding strand, the complement: COL5A2 is on the minus strand). VCF-style: chr2-189051435-C-T. GRCh37 (hg19) VCF-style: chr2-189916161-C-T.
Other names: short protein forms G939E.
Identifiers: ClinVar variation 2838430 (VCV002838430.3), dbSNP rs200605931, ClinGen allele CA62595696.

ClinVar aggregate classification (germline): Uncertain significance (1 of 4 stars; one submission).

Conditions:
Ehlers-Danlos syndrome, classic type, 1 (EDSCL1). Also called: EHLERS-DANLOS SYNDROME, GRAVIS TYPE; EHLERS-DANLOS SYNDROME, SEVERE CLASSIC TYPE; Ehlers-Danlos syndrome, type 1; Ehlers-Danlos Syndrome, Classic Type, COL5A1-Related; EDS I. Identifiers: MedGen C0268335, MONDO:0019567, OMIM 130000.

Submission:

Labcorp Genetics (formerly Invitae), Labcorp
Classification: Uncertain significance for Ehlers-Danlos syndrome, classic type, 1. Last evaluated: 2023-04-08. Review status: criteria provided, single submitter. Criteria: Invitae Variant Classification Sherloc (09022015). Collection method: clinical testing. Allele origin: germline.
Comment: This sequence change replaces glycine, which is neutral and non-polar, with glutamic acid, which is acidic and polar, at codon 939 of the COL5A2 protein (p.Gly939Glu). This variant is not present in population databases (gnomAD no frequency). This missense change has been observed in individual(s) with Ehlers-Danlos syndrome (Invitae). Advanced modeling of protein sequence and biophysical properties (such as structural, functional, and spatial information, amino acid conservation, physicochemical variation, residue mobility, and thermodynamic stability) performed at Invitae indicates that this missense variant is expected to disrupt COL5A2 protein function. In summary, the available evidence is currently insufficient to determine the role of this variant in disease. Therefore, it has been classified as a Variant of Uncertain Significance.